The following is an entry in ClinVar:

ClinVar aggregate classification (germline): Uncertain significance (1 of 4 stars; one submission).

Submission:

GeneDx
Classification: Uncertain significance. Last evaluated: 2024-04-04. Review status: criteria provided, single submitter. Criteria: GeneDx Variant Classification Process June 2021. Collection method: clinical testing. Allele origin: germline. Affected: yes.
Comment: Not observed at significant frequency in large population cohorts (gnomAD); In silico analysis indicates that this missense variant does not alter protein structure/function; Has not been previously published as pathogenic or benign to our knowledge

NM_021098.3(CACNA1H):c.2299G>A (p.Ala767Thr)

Gene: CACNA1H (calcium voltage-gated channel subunit alpha1 H; plus strand). Cytogenetic location: 16p13.3.
Variant type: single nucleotide variant.
Coding change: c.2299G>A on transcript NM_021098.3 (MANE Select); coding-DNA position 2299, G replaced by A.
Protein change: p.Ala767Thr; replaces alanine 767 with threonine.
Molecular consequence: missense variant.
Genome position (GRCh38, 1-based): chr16:1,204,306, G>A. VCF-style: chr16-1204306-G-A. GRCh37 (hg19) VCF-style: chr16-1254306-G-A.
Other names: c.2299G>A, p.Ala767Thr (NM_001005407.2); short protein forms A767T.
Identifiers: ClinVar variation 3372143 (VCV003372143.1).